The following is an entry in ClinVar:

NM_020702.5(MYORG):c.1651C>T (p.Pro551Ser)

Gene: MYORG (myogenesis regulating glycosidase; minus strand). Cytogenetic location: 9p13.3.
Variant type: single nucleotide variant.
Coding change: c.1651C>T on transcript NM_020702.5 (MANE Select); coding-DNA position 1651, C replaced by T.
Protein change: p.Pro551Ser; replaces proline 551 with serine.
Molecular consequence: missense variant.
Genome position (GRCh38, 1-based): chr9:34,371,293, G>A on the plus strand (C>T on the coding strand, the complement: MYORG is on the minus strand). VCF-style: chr9-34371293-G-A. GRCh37 (hg19) VCF-style: chr9-34371291-G-A.
Other names: short protein forms P551S.
Identifiers: ClinVar variation 1681290 (VCV001681290.8), dbSNP rs183012275, ClinGen allele CA5032871.
Genomic context (GRCh38, chr9:34,371,293, plus strand): 5'-GCTCGGGCACATCGCCGCCGGCTGTCCGCTGGGGCACGGCGTTGCCGCCCACCATATCGG[G>A]TAGGATGAATGGGTAGCCCAGCATGCTGACGGTGAGCACCGCGGGGATGAGTGAGCGCAA-3'
Protein context (NP_065753.2, residues 541-561): VSMLGYPFIL[Pro551Ser]DMVGGNAVPQ

ClinVar aggregate classification (germline): Uncertain significance (1 of 4 stars; one submission).

Allele frequency attached by ClinVar (database versions not stated): gnomAD 0.00001; TOPMed 0.00002; gnomAD exomes 0.00003 and 0.00006; ExAC 0.00007; 1000 Genomes Project 0.00020; 1000 Genomes Project 30x 0.00031.
gnomAD v4.1: 18 of 1,611,580 alleles (0.0011%); highest among the groups gnomAD compares: Admixed American, 0.028%; no homozygotes.

Submission:

Labcorp Genetics (formerly Invitae), Labcorp
Classification: Uncertain significance. Last evaluated: 2022-08-03. Review status: criteria provided, single submitter. Criteria: Invitae Variant Classification Sherloc (09022015). Collection method: clinical testing. Allele origin: germline.
Comment: ClinVar contains an entry for this variant (Variation ID: 1681290). This variant has not been reported in the literature in individuals affected with KIAA1161-related conditions. This variant is present in population databases (rs183012275, gnomAD 0.03%). This sequence change replaces proline, which is neutral and non-polar, with serine, which is neutral and polar, at codon 551 of the KIAA1161 protein (p.Pro551Ser). Algorithms developed to predict the effect of missense changes on protein structure and function are either unavailable or do not agree on the potential impact of this missense change (SIFT: "Tolerated"; PolyPhen-2: "Not Available"; Align-GVGD: "Class C25"). In summary, the available evidence is currently insufficient to determine the role of this variant in disease. Therefore, it has been classified as a Variant of Uncertain Significance.